The following is an entry in ClinVar:

NM_006761.5(YWHAE):c.282G>A (p.Lys94=)

Gene: YWHAE (tyrosine 3-monooxygenase/tryptophan 5-monooxygenase activation protein epsilon; minus strand). Cytogenetic location: 17p13.3.
Variant type: single nucleotide variant.
Coding change: c.282G>A on transcript NM_006761.5 (MANE Select); coding-DNA position 282, G replaced by A.
Protein change: p.Lys94=; no amino-acid change (lysine 94 retained).
Molecular consequence: synonymous variant. On other transcripts: non-coding transcript variant (1).
Genome position (GRCh38, 1-based): chr17:1,361,991, C>T on the plus strand (G>A on the coding strand, the complement: YWHAE is on the minus strand). VCF-style: chr17-1361991-C-T. GRCh37 (hg19) VCF-style: chr17-1265285-C-T.
Identifiers: ClinVar variation 260034 (VCV000260034.11), dbSNP rs34137556, ClinGen allele CA8266227.

ClinVar aggregate classification (germline): Benign/Likely benign. Review status: criteria provided, multiple submitters, no conflicts (2 of 4 stars). 3 submissions from 3 submitters: Benign (2); Likely benign (1). Last evaluated 2026-01-27.

Conditions:
YWHAE-related disorder. Also called: YWHAE-related condition.

Allele frequency attached by ClinVar (database versions not stated): 1000 Genomes Project 0.01577; 1000 Genomes Project 30x 0.01577; TOPMed 0.02163; ESP Exome Variant Server 0.02222; gnomAD 0.02297 and 0.02303; gnomAD exomes 0.02371 and 0.03037; ExAC 0.02412.
gnomAD v4.1: 46,838 of 1,585,946 alleles (3%); highest among the groups gnomAD compares: Middle Eastern, 3.7%; 824 homozygotes.

Submissions (3):

Labcorp Genetics (formerly Invitae), Labcorp
Classification: Benign. Last evaluated: 2026-01-27. Review status: criteria provided, single submitter. Criteria: Invitae Variant Classification Sherloc (09022015). Collection method: clinical testing. Allele origin: germline.

PreventionGenetics, part of Exact Sciences
Classification: Benign for YWHAE-related condition. Last evaluated: 2025-05-25. Review status: criteria provided, single submitter. Criteria: ACMG Guidelines, 2015. Collection method: clinical testing. Allele origin: germline.
Comment: This variant is classified as benign based on ACMG/AMP sequence variant interpretation guidelines (Richards et al. 2015 PMID: 25741868, with internal and published modifications).

Breakthrough Genomics
Classification: Likely benign. Review status: criteria provided, single submitter. Criteria: ACMG Guidelines, 2015. Collection method: not provided. Allele origin: germline. Inheritance: Unknown mechanism. Affected: yes.